The following is an entry in ClinVar:

ClinVar aggregate classification (germline): Uncertain significance (1 of 4 stars; one submission).

Conditions:
Hereditary cancer-predisposing syndrome. Also called: Tumor predisposition; Neoplastic Syndromes, Hereditary; Hereditary Cancer Syndrome; Hereditary neoplastic syndrome. Identifiers: Orphanet 140162, MedGen C0027672, MeSH D009386, MONDO:0015356.

Submission:

Ambry Genetics
Classification: Uncertain significance for Hereditary cancer-predisposing syndrome. Last evaluated: 2024-10-08. Review status: criteria provided, single submitter. Criteria: Ambry Variant Classification Scheme 2023. Collection method: clinical testing. Allele origin: germline.
Comment: The p.F960L variant (also known as c.2880T>G), located in coding exon 14 of the BLM gene, results from a T to G substitution at nucleotide position 2880. The phenylalanine at codon 960 is replaced by leucine, an amino acid with highly similar properties. This amino acid position is conserved. In addition, this alteration is predicted to be tolerated by in silico analysis. Based on the available evidence, the clinical significance of this variant remains unclear.

NM_000057.4(BLM):c.2880T>G (p.Phe960Leu)

Gene: BLM (BLM RecQ like helicase; plus strand). Cytogenetic location: 15q26.1.
Variant type: single nucleotide variant.
Coding change: c.2880T>G on transcript NM_000057.4 (MANE Select); coding-DNA position 2880, T replaced by G.
Protein change: p.Phe960Leu; replaces phenylalanine 960 with leucine.
Molecular consequence: missense variant.
Genome position (GRCh38, 1-based): chr15:90,790,705, T>G. VCF-style: chr15-90790705-T-G. GRCh37 (hg19) VCF-style: chr15-91333935-T-G.
Other names: c.2880T>G, p.Phe960Leu (NM_001287246.2, NM_001287247.2); c.1755T>G, p.Phe585Leu (NM_001287248.2); short protein forms F960L, F585L.
Identifiers: ClinVar variation 3480868 (VCV003480868.1).